The following is an entry in ClinVar:

ClinVar aggregate classification (germline): Likely benign (1 of 4 stars; one submission).

Allele frequency attached by ClinVar (database versions not stated): gnomAD exomes 0.00001; ExAC 0.00002.
gnomAD v4.1: 4 of 1,613,596 alleles (0.00025%); highest among the groups gnomAD compares: Non-Finnish European, 0.00034%; no homozygotes.

Submission:

GeneDx
Classification: Likely benign. Last evaluated: 2020-12-03. Review status: criteria provided, single submitter. Criteria: GeneDx Variant Classification Process June 2021. Collection method: clinical testing. Allele origin: germline. Affected: yes.
Comment: In silico analysis supports that this missense variant does not alter protein structure/function; Has not been previously published as pathogenic or benign to our knowledge

NM_022455.5(NSD1):c.293A>T (p.Gln98Leu)

Gene: NSD1 (nuclear receptor binding SET domain protein 1; plus strand). Cytogenetic location: 5q35.3.
Variant type: single nucleotide variant.
Coding change: c.293A>T on transcript NM_022455.5 (MANE Select); coding-DNA position 293, A replaced by T.
Protein change: p.Gln98Leu; replaces glutamine 98 with leucine.
Molecular consequence: missense variant. On other transcripts: intron variant (7).
Genome position (GRCh38, 1-based): chr5:177,135,396, A>T. VCF-style: chr5-177135396-A-T. GRCh37 (hg19) VCF-style: chr5-176562397-A-T.
Other names: c.293A>T, p.Gln98Leu (NM_001409301.1, NM_001409302.1, NM_001409303.1 and 1 more transcripts); c.-37+196A>T (NM_001409305.1, NM_001409306.1, NM_001409308.1 and 4 more transcripts); short protein forms Q98L.
Identifiers: ClinVar variation 1188678 (VCV001188678.2), dbSNP rs779850742, ClinGen allele CA3576866.